The following is an entry in ClinVar:

NM_001164277.2(SLC37A4):c.1150T>G (p.Phe384Val)

Gene: SLC37A4 (solute carrier family 37 member 4; minus strand). Cytogenetic location: 11q23.3.
Variant type: single nucleotide variant.
Coding change: c.1150T>G on transcript NM_001164277.2 (MANE Select); coding-DNA position 1150, T replaced by G.
Protein change: p.Phe384Val; replaces phenylalanine 384 with valine.
Molecular consequence: missense variant.
Genome position (GRCh38, 1-based): chr11:119,025,050, A>C on the plus strand (T>G on the coding strand, the complement: SLC37A4 is on the minus strand). VCF-style: chr11-119025050-A-C. GRCh37 (hg19) VCF-style: chr11-118895760-A-C.
Other names: c.1216T>G, p.Phe406Val (NM_001164278.2); c.931T>G, p.Phe311Val (NM_001164279.2); c.1150T>G, p.Phe384Val (NM_001164280.2, NM_001467.6); short protein forms F384V, F406V, F311V.
Identifiers: ClinVar variation 5004620 (VCV005004620.1).

ClinVar aggregate classification (germline): Uncertain significance (1 of 4 stars; one submission).

Conditions:
Glycogen storage disease, type I. Identifiers: Orphanet 364, MedGen C0017920, MONDO:0002413.

Submission:

Myriad Genetics, Inc.
Classification: Uncertain significance for Glycogen storage disease, type I. Last evaluated: 2026-04-20. Review status: criteria provided, single submitter. Criteria: Myriad Autosomal Dominant, Autosomal Recessive and X-Linked Classification Criteria (2023). Collection method: clinical testing. Allele origin: unknown.
Comment: NM_001164277.1(SLC37A4):c.1150T>G(F384V) is a missense variant classified as a variant of uncertain significance in the context of glycogen storage disease type Ib. F384V has not been observed in cases with relevant disease. Relevant functional assessments of this variant are not available in the literature. F384V has not been observed in referenced population frequency databases. In summary, there is insufficient evidence to classify NM_001164277.1(SLC37A4):c.1150T>G(F384V) as pathogenic or benign. Please note: this variant was assessed in the context of healthy population screening.